The following is an entry in ClinVar:

NM_000330.4(RS1):c.214G>C (p.Glu72Gln)

Genes: CDKL5 (cyclin dependent kinase like 5; plus strand), RS1 (retinoschisin 1; minus strand). Cytogenetic location: Xp22.13.
Variant type: single nucleotide variant.
Coding change: c.214G>C on transcript NM_000330.4 (MANE Select); coding-DNA position 214, G replaced by C.
Protein change: p.Glu72Gln; replaces glutamic acid 72 with glutamine.
Molecular consequence: missense variant. On other transcripts: intron variant (2).
Genome position (GRCh38, 1-based): chrX:18,647,303, C>G on the plus strand (G>C on the coding strand, the complement: RS1 is on the minus strand). VCF-style: chrX-18647303-C-G. GRCh37 (hg19) VCF-style: chrX-18665423-C-G.
Other names: NM_000330.4(RS1):c.214G>C; p.Glu72Gln; c.2797+1213C>G (NM_003159.3, NM_001037343.2); short protein forms E72Q.
Identifiers: ClinVar variation 98916 (VCV000098916.18), dbSNP rs104894928, ClinGen allele CA226623.
Genomic context (GRCh38, chrX:18,647,303, plus strand): 5'-AGCCCACATACTGCTCCGGGTTAGAGCAGGTGATCTGGTCCGGTGTGACCTCCCCTGACT[C>G]GAAACCCAGAGGCTTGTGATATGGGCATTCTGGGAAAGGAAAAAGAATTCACATTCACAC-3'
Protein context (NP_000321.1, residues 62-82): ECPYHKPLGF[Glu72Gln]SGEVTPDQIT

ClinVar aggregate classification (germline): Pathogenic. Review status: reviewed by expert panel (3 of 4 stars). 8 submissions from 8 submitters: Pathogenic (1). 7 of the submissions do not count toward it. Last evaluated 2026-09-26.

Conditions:
RS1-related disorder. Also called: RS1-related condition.
Retinal dystrophy. Also called: Inherited retinal dystrophy. Identifiers: Orphanet 71862, MedGen C0854723, MeSH D058499, MONDO:0019118, HP:0000556.
Juvenile retinoschisis (RS1). Also called: X-Linked Juvenile Retinoschisis; X-linked retinoschisis. Identifiers: Orphanet 792, MedGen C3714753, MONDO:0010725, OMIM 312700.

Submissions (8):

ClinGen X-linked Inherited Retinal Disease Variant Curation Expert Panel, ClinGen
Classification: Pathogenic for Juvenile retinoschisis. Last evaluated: 2026-09-26. Review status: reviewed by expert panel. Criteria: ClinGen X LinkedIRD ACMG Specifications RS1 V1.0.0. Collection method: curation. Allele origin: germline. Inheritance: X-linked inheritance.
Comment: The NM_000330.4(RS1):c.214G>C (p.Glu72Gln) variant is a missense variant encoding the substitution of Glutamic acid and Glutamine at amino acid 72. This variant is absent from hemizygous individuals in gnomAD v4.1.0 (PM2_Supporting). The computational predictor REVEL gives a score of 0.931, which is within the ClinGen X-linked IRD VCEP range between 0.931 and 0.773 and predicts a damaging effect on RS1 function (PP3_moderate). The computational splicing predictor SpliceAI gives a delta score of 0.05 for acceptor gain, which is below the ClinGen X-linked IRD VCEP threshold of >0.2 and does not predict that the variant disrupts RS1 splicing. This variant p.Glu72, of the RS1 gene, is a missense substitution affecting an established residue involved in cross-linking the adjacent RS1 subunit defined by the ClinGen X-linked IRD VCEP (PMID: 27114531, PM1). At least one proband harboring this variant exhibits the following phenotypes, including the appearance of schisis and reduced visual acuity before age 13 years, which together are specific for X-linked retinoschisis (PMID: 19390641, PP4). The variant has been reported to segregate with retinal dystrophy through two brothers (PP1; PMID: 11295123). This variant has been reported in at least 5 apparently unrelated probands meeting the PS4 requirement of a male diagnosed with XLRS (PMIDs: 11295123, 28348004, 36460718, 39462066, 35456481, PS4). In summary, this variant is classified as pathogenic for X-linked retinoschisis based on the ClinGen X-linked Inherited Retinal Disease Expert Panel Specifications to the ACMG/AMP Variant Interpretation Guidelines for RS1 Version 1.0.0: PM2_Supporting, PP3_Moderate, PM1, PP4, PP1, and PS4.

CeGaT Center for Human Genetics Tuebingen
Classification: Pathogenic. Last evaluated: 2026-03-01. Review status: criteria provided, single submitter. Criteria: CeGaT Center For Human Genetics Tuebingen Variant Classification Criteria Version 2. Collection method: clinical testing. Allele origin: germline. Affected: yes. Observed: 1 variant allele. Not counted in ClinVar's aggregate classification.
Comment: RS1: PS4, PM1, PM2, PM5, PP4

Labcorp Genetics (formerly Invitae), Labcorp
Classification: Pathogenic. Last evaluated: 2025-12-22. Review status: criteria provided, single submitter. Criteria: Invitae Variant Classification Sherloc (09022015). Collection method: clinical testing. Allele origin: germline. Not counted in ClinVar's aggregate classification.
Comment: This sequence change replaces glutamic acid, which is acidic and polar, with glutamine, which is neutral and polar, at codon 72 of the RS1 protein (p.Glu72Gln). This variant is not present in population databases (gnomAD no frequency). This missense change has been observed in individuals with X-linked retinoschisis (PMID: 11295123, 19390641, 28348004). ClinVar contains an entry for this variant (Variation ID: 98916). Invitae Evidence Modeling of protein sequence and biophysical properties (such as structural, functional, and spatial information, amino acid conservation, physicochemical variation, residue mobility, and thermodynamic stability) indicates that this missense variant is expected to disrupt RS1 protein function with a positive predictive value of 95%. This variant disrupts the p.Glu72 amino acid residue in RS1. Other variant(s) that disrupt this residue have been determined to be pathogenic (PMID: 9618178, 20809529, 28272453, 30652005). This suggests that this residue is clinically significant, and that variants that disrupt this residue are likely to be disease-causing. For these reasons, this variant has been classified as Pathogenic.

Blueprint Genetics
Classification: Pathogenic for RS1-related disorders. Last evaluated: 2023-09-29. Review status: criteria provided, single submitter. Criteria: ACMG Guidelines, 2015. Collection method: clinical testing. Allele origin: germline. Affected: yes. Observed: 3 variant alleles. Not counted in ClinVar's aggregate classification.

Fulgent Genetics
Classification: Pathogenic for Juvenile retinoschisis. Last evaluated: 2021-09-02. Review status: criteria provided, single submitter. Criteria: ACMG Guidelines, 2015. Collection method: clinical testing. Allele origin: unknown. Not counted in ClinVar's aggregate classification.

GeneDx
Classification: Pathogenic. Last evaluated: 2021-08-23. Review status: criteria provided, single submitter. Criteria: GeneDx Variant Classification Process June 2021. Collection method: clinical testing. Allele origin: germline. Affected: yes. Not counted in ClinVar's aggregate classification.
Comment: Not observed at significant frequency in large population cohorts (Lek et al., 2016); In silico analysis supports that this missense variant has a deleterious effect on protein structure/function; This variant is associated with the following publications: (PMID: 28348004, 33460243, 19390641, 11295123)

Institute of Human Genetics, Univ. Regensburg, Univ. Regensburg
Classification: Likely pathogenic for Retinal dystrophy. Last evaluated: 2017-01-01. Review status: criteria provided, single submitter. Criteria: ACMG Guidelines, 2015. Collection method: clinical testing. Allele origin: germline. Affected: yes. Not counted in ClinVar's aggregate classification.

Retina International
No classification provided. Review status: no classification provided. Collection method: not provided. Allele origin: unknown. Not counted in ClinVar's aggregate classification.

Literature cited by the submitters: PubMed 11295123 (cited by Labcorp Genetics (formerly Invitae), Labcorp and Institute of Human Genetics, Univ. Regensburg, Univ. Regensburg); PubMed 19390641 (cited by Labcorp Genetics (formerly Invitae), Labcorp); PubMed 28348004 (cited by Labcorp Genetics (formerly Invitae), Labcorp); PubMed 9618178 (cited by Labcorp Genetics (formerly Invitae), Labcorp); PubMed 20809529 (cited by Labcorp Genetics (formerly Invitae), Labcorp); PubMed 28272453 (cited by Labcorp Genetics (formerly Invitae), Labcorp); PubMed 30652005 (cited by Labcorp Genetics (formerly Invitae), Labcorp); PubMed 33460243 (cited by Institute of Human Genetics, Univ. Regensburg, Univ. Regensburg); PubMed 35456481 (cited by Institute of Human Genetics, Univ. Regensburg, Univ. Regensburg); PubMed 34822951 (cited by Institute of Human Genetics, Univ. Regensburg, Univ. Regensburg); PubMed 34645606 (cited by Institute of Human Genetics, Univ. Regensburg, Univ. Regensburg).